The following is an entry in ClinVar:

NM_022773.4(LMF1):c.1285G>A (p.Ala429Thr)

Gene: LMF1 (lipase maturation factor 1; minus strand). Cytogenetic location: 16p13.3.
Variant type: single nucleotide variant.
Coding change: c.1285G>A on transcript NM_022773.4 (MANE Select); coding-DNA position 1285, G replaced by A.
Protein change: p.Ala429Thr; replaces alanine 429 with threonine.
Molecular consequence: missense variant. On other transcripts: non-coding transcript variant (1).
Genome position (GRCh38, 1-based): chr16:870,014, C>T on the plus strand (G>A on the coding strand, the complement: LMF1 is on the minus strand). VCF-style: chr16-870014-C-T. GRCh37 (hg19) VCF-style: chr16-920014-C-T.
Other names: c.634G>A, p.Ala212Thr (NM_001352017.2, NM_001352021.2); c.886G>A, p.Ala296Thr (NM_001352018.2); c.958G>A, p.Ala320Thr (NM_001352019.2); c.1285G>A, p.Ala429Thr (NM_001352020.1); short protein forms A212T, A296T, A320T, A429T.
Identifiers: ClinVar variation 4859222 (VCV004859222.1).

ClinVar aggregate classification (germline): Uncertain significance (1 of 4 stars; one submission).

Conditions:
Cardiovascular phenotype. Identifiers: MedGen CN230736.

gnomAD v4.1: 8 of 1,612,770 alleles (0.0005%); highest among the groups gnomAD compares: East Asian, 0.0045%; no homozygotes.

Submission:

Ambry Genetics
Classification: Uncertain significance for Cardiovascular phenotype. Last evaluated: 2026-03-21. Review status: criteria provided, single submitter. Criteria: Ambry Variant Classification Scheme 2023. Collection method: clinical testing. Allele origin: germline.
Comment: The p.A429T variant (also known as c.1285G>A), located in coding exon 9 of the LMF1 gene, results from a G to A substitution at nucleotide position 1285. The alanine at codon 429 is replaced by threonine, an amino acid with similar properties. This amino acid position is conserved. In addition, this alteration is predicted to be tolerated by in silico analysis. Based on the available evidence, the clinical significance of this variant remains unclear.